The following is an entry in ClinVar:

ClinVar aggregate classification (germline): Conflicting classifications of pathogenicity. Review status: criteria provided, conflicting classifications (1 of 4 stars). 3 submissions from 3 submitters: Uncertain significance (2); Likely benign (1). Last evaluated 2025-11-06.

Conditions:
DIAPH1-related disorder. Also called: DIAPH1-related condition.
Autosomal dominant nonsyndromic hearing loss 1. Also called: DEAFNESS, AUTOSOMAL DOMINANT 1, WITH OR WITHOUT THROMBOCYTOPENIA; KONIGSMARK SYNDROME. Identifiers: Orphanet 90635, MedGen C1852282, MONDO:0007424, OMIM 124900.
Progressive microcephaly-seizures-cortical blindness-developmental delay syndrome. Also called: Seizures, cortical blindness, and microcephaly syndrome. Identifiers: Orphanet 477814, MedGen C5567650, MONDO:0014714, OMIM 616632.

Allele frequency attached by ClinVar (database versions not stated): gnomAD exomes 0.00002; ExAC 0.00003; gnomAD 0.00006 and 0.00008; TOPMed 0.00007; ESP Exome Variant Server 0.00008.
gnomAD v4.1: 15 of 1,614,108 alleles (0.00093%); highest among the groups gnomAD compares: African/African-American, 0.017%; no homozygotes.

Submissions (3):

PreventionGenetics, part of Exact Sciences
Classification: Uncertain significance for DIAPH1-related condition. Last evaluated: 2025-11-06. Review status: criteria provided, single submitter. Criteria: ACMG Guidelines, 2015. Collection method: clinical testing. Allele origin: germline.
Comment: The DIAPH1 c.1571A>T variant is predicted to result in the amino acid substitution p.His524Leu. To our knowledge, this variant has not been reported in the literature. This variant is reported in 0.037% of alleles in individuals of African descent in gnomAD. At this time, the clinical significance of this variant is uncertain due to the absence of conclusive functional and genetic evidence.

Labcorp Genetics (formerly Invitae), Labcorp
Classification: Uncertain significance for Progressive microcephaly-seizures-cortical blindness-developmental delay syndrome; Autosomal dominant nonsyndromic hearing loss 1. Last evaluated: 2025-10-09. Review status: criteria provided, single submitter. Criteria: Invitae Variant Classification Sherloc (09022015). Collection method: clinical testing. Allele origin: germline.
Comment: This sequence change replaces histidine, which is basic and polar, with leucine, which is neutral and non-polar, at codon 524 of the DIAPH1 protein (p.His524Leu). This variant is present in population databases (rs369527502, gnomAD 0.04%). This variant has not been reported in the literature in individuals affected with DIAPH1-related conditions. ClinVar contains an entry for this variant (Variation ID: 648734). Experimental studies and prediction algorithms are not available or were not evaluated, and the functional significance of this variant is currently unknown. In summary, the available evidence is currently insufficient to determine the role of this variant in disease. Therefore, it has been classified as a Variant of Uncertain Significance.

Mayo Clinic Laboratories, Mayo Clinic
Classification: Likely benign. Last evaluated: 2025-06-26. Review status: criteria provided, single submitter. Criteria: ACMG Guidelines, 2015. Collection method: clinical testing. Allele origin: germline. Observed: 1 variant allele.
Comment: BP4_moderate

NM_005219.5(DIAPH1):c.1571A>T (p.His524Leu)

Gene: DIAPH1 (diaphanous related formin 1; minus strand). Cytogenetic location: 5q31.3.
Variant type: single nucleotide variant.
Coding change: c.1571A>T on transcript NM_005219.5 (MANE Select); coding-DNA position 1571, A replaced by T.
Protein change: p.His524Leu; replaces histidine 524 with leucine.
Molecular consequence: missense variant.
Genome position (GRCh38, 1-based): chr5:141,575,037, T>A on the plus strand (A>T on the coding strand, the complement: DIAPH1 is on the minus strand). VCF-style: chr5-141575037-T-A. GRCh37 (hg19) VCF-style: chr5-140954604-T-A.
Other names: p.His524Leu; c.1544A>T, p.His515Leu (NM_001079812.3); c.1571A>T, p.His524Leu (NM_001314007.2); short protein forms H515L, H524L.
Identifiers: ClinVar variation 648734 (VCV000648734.11), dbSNP rs369527502, ClinGen allele CA3479262.
Genomic context (GRCh38, chr5:141,575,037, plus strand): 5'-AGCTGGGACACCTCTGCTTCCAGGTCCTGTTTCTCTGTGGCAATTTGCTGCTTTTCAGAA[T>A]GCAGTGCATCTTTTTCTCCCTGAAGATCTTGAAGCTTCTGCTCAAAGTCACTTTCCATCT-3'
Protein context (NP_005210.3, residues 514-534): QDLQGEKDAL[His524Leu]SEKQQIATEK